The following is an entry in ClinVar:

ClinVar aggregate classification (germline): Benign. Review status: criteria provided, multiple submitters, no conflicts (2 of 4 stars). 3 submissions from 3 submitters: Benign (3). Last evaluated 2023-03-01.

Allele frequency attached by ClinVar (database versions not stated): 1000 Genomes Project 30x 0.00531; 1000 Genomes Project 0.00539; TOPMed 0.00777; gnomAD 0.00847 and 0.00853; ESP Exome Variant Server 0.00909; ExAC 0.00981; gnomAD exomes 0.00997.
gnomAD v4.1: 17,712 of 1,613,538 alleles (1.1%); highest among the groups gnomAD compares: Middle Eastern, 1.5%; 150 homozygotes.

Submissions (3):

CeGaT Center for Human Genetics Tuebingen
Classification: Benign. Last evaluated: 2023-03-01. Review status: criteria provided, single submitter. Criteria: CeGaT Center For Human Genetics Tuebingen Variant Classification Criteria Version 2. Collection method: clinical testing. Allele origin: germline. Affected: yes. Observed: 1 variant allele.
Comment: CMYA5: BP4, BP7, BS1, BS2

Labcorp Genetics (formerly Invitae), Labcorp
Classification: Benign. Last evaluated: 2019-12-31. Review status: criteria provided, single submitter. Criteria: Invitae Variant Classification Sherloc (09022015). Collection method: clinical testing. Allele origin: germline.

Breakthrough Genomics
Classification: Benign. Review status: criteria provided, single submitter. Criteria: ACMG Guidelines, 2015. Collection method: not provided. Allele origin: germline. Inheritance: Unknown mechanism. Affected: yes.

NM_153610.5(CMYA5):c.915C>T (p.Gly305=)

Gene: CMYA5 (cardiomyopathy associated 5; plus strand). Cytogenetic location: 5q14.1.
Variant type: single nucleotide variant.
Coding change: c.915C>T on transcript NM_153610.5 (MANE Select); coding-DNA position 915, C replaced by T.
Protein change: p.Gly305=; no amino-acid change (glycine 305 retained).
Molecular consequence: synonymous variant.
Genome position (GRCh38, 1-based): chr5:79,729,680, C>T. VCF-style: chr5-79729680-C-T. GRCh37 (hg19) VCF-style: chr5-79025503-C-T.
Identifiers: ClinVar variation 778323 (VCV000778323.29), dbSNP rs76977444, ClinGen allele CA3321296.